The following is an entry in ClinVar:

ClinVar aggregate classification (germline): Uncertain significance. Review status: criteria provided, multiple submitters, no conflicts (2 of 4 stars). 2 submissions from 2 submitters: Uncertain significance (2). Last evaluated 2024-07-03.

Conditions:
Tumor predisposition syndrome 3 (TPDS3). Also called: Melanoma, cutaneous malignant, susceptibility to, 10; Glioma susceptibility 9; LONG TELOMERE SYNDROME, POT1-RELATED; POT1 Tumor Predisposition. Identifiers: Orphanet 618, MedGen C4014476, MONDO:0014368, OMIM 615848.
Hereditary cancer-predisposing syndrome. Also called: Neoplastic Syndromes, Hereditary; Hereditary Cancer Syndrome; Hereditary neoplastic syndrome; Tumor predisposition. Identifiers: Orphanet 140162, MedGen C0027672, MeSH D009386, MONDO:0015356.

Submissions (2):

Ambry Genetics
Classification: Uncertain significance for Hereditary cancer-predisposing syndrome. Last evaluated: 2024-07-03. Review status: criteria provided, single submitter. Criteria: Ambry Variant Classification Scheme 2023. Collection method: clinical testing. Allele origin: germline.
Comment: The p.S63I variant (also known as c.188G>T), located in coding exon 3 of the POT1 gene, results from a G to T substitution at nucleotide position 188. The serine at codon 63 is replaced by isoleucine, an amino acid with dissimilar properties. This amino acid position is conserved. In addition, the in silico prediction for this alteration is inconclusive. Based on the available evidence, the clinical significance of this variant remains unclear.

Labcorp Genetics (formerly Invitae), Labcorp
Classification: Uncertain significance for Tumor predisposition syndrome 3. Last evaluated: 2020-08-24. Review status: criteria provided, single submitter. Criteria: Invitae Variant Classification Sherloc (09022015). Collection method: clinical testing. Allele origin: germline.
Comment: This variant has not been reported in the literature in individuals with POT1-related conditions. In summary, the available evidence is currently insufficient to determine the role of this variant in disease. Therefore, it has been classified as a Variant of Uncertain Significance. Algorithms developed to predict the effect of missense changes on protein structure and function are either unavailable or do not agree on the potential impact of this missense change (SIFT: "Deleterious"; PolyPhen-2: "Probably Damaging"; Align-GVGD: "Class C0"). This variant is not present in population databases (ExAC no frequency). This sequence change replaces serine with isoleucine at codon 63 of the POT1 protein (p.Ser63Ile). The serine residue is moderately conserved and there is a large physicochemical difference between serine and isoleucine.

NM_015450.3(POT1):c.188G>T (p.Ser63Ile)

Gene: POT1 (protection of telomeres 1; minus strand). Cytogenetic location: 7q31.33.
Variant type: single nucleotide variant.
Coding change: c.188G>T on transcript NM_015450.3 (MANE Select); coding-DNA position 188, G replaced by T.
Protein change: p.Ser63Ile; replaces serine 63 with isoleucine.
Molecular consequence: missense variant. On other transcripts: non-coding transcript variant (3), intron variant (1).
Genome position (GRCh38, 1-based): chr7:124,870,978, C>A on the plus strand (G>T on the coding strand, the complement: POT1 is on the minus strand). VCF-style: chr7-124870978-C-A. GRCh37 (hg19) VCF-style: chr7-124511032-C-A.
Other names: c.-138-7338G>T (NM_001042594.2); c.188G>T (NM_015450.2); short protein forms S63I.
Identifiers: ClinVar variation 1046918 (VCV001046918.10), dbSNP rs1584777788, ClinGen allele CA369061513.